The following is an entry in ClinVar:

NM_001211.6(BUB1B):c.2287A>G (p.Asn763Asp)

Gene: BUB1B (BUB1 mitotic checkpoint serine/threonine kinase B; plus strand). Cytogenetic location: 15q15.1.
Variant type: single nucleotide variant.
Coding change: c.2287A>G on transcript NM_001211.6 (MANE Select); coding-DNA position 2287, A replaced by G.
Protein change: p.Asn763Asp; replaces asparagine 763 with aspartic acid.
Molecular consequence: missense variant.
Genome position (GRCh38, 1-based): chr15:40,210,112, A>G. VCF-style: chr15-40210112-A-G. GRCh37 (hg19) VCF-style: chr15-40502313-A-G.
Other names: short protein forms N763D.
Identifiers: ClinVar variation 2450807 (VCV002450807.2), dbSNP rs2542572663, ClinGen allele CA391694759.

ClinVar aggregate classification (germline): Uncertain significance (1 of 4 stars; one submission).

Conditions:
Inborn genetic diseases. Identifiers: MedGen C0950123, MeSH D030342.

Submission:

Ambry Genetics
Classification: Uncertain significance for Inborn genetic diseases. Last evaluated: 2022-11-18. Review status: criteria provided, single submitter. Criteria: Ambry Variant Classification Scheme 2023. Collection method: clinical testing. Allele origin: germline.
Comment: The p.N763D variant (also known as c.2287A>G), located in coding exon 18 of the BUB1B gene, results from an A to G substitution at nucleotide position 2287. The asparagine at codon 763 is replaced by aspartic acid, an amino acid with highly similar properties. This amino acid position is conserved. In addition, this alteration is predicted to be tolerated by in silico analysis. Since supporting evidence is limited at this time, the clinical significance of this alteration remains unclear.